The following is an entry in ClinVar:

ClinVar aggregate classification (germline): Uncertain significance. Review status: criteria provided, multiple submitters, no conflicts (2 of 4 stars). 2 submissions from 2 submitters: Uncertain significance (2). Last evaluated 2024-04-29.

Conditions:
Fibromatosis, gingival, 5. Also called: FIBROMATOSIS, GINGIVAL, HEREDITARY, 5. Identifiers: MedGen C4539942, MONDO:0033493, OMIM 617626.
Autosomal dominant nonsyndromic hearing loss 27. Also called: Deafness, autosomal dominant 27. Identifiers: Orphanet 90635, MedGen C3887929, MONDO:0012902, OMIM 612431.
Wilms tumor 6 (WT6). Also called: WILMS TUMOR 6, SUSCEPTIBILITY TO. Identifiers: Orphanet 654, MedGen C3891301, MONDO:0014779, OMIM 616806.

Allele frequency attached by ClinVar (database versions not stated): gnomAD exomes below 0.00001.

Submissions (2):

Labcorp Genetics (formerly Invitae), Labcorp
Classification: Uncertain significance. Last evaluated: 2024-04-29. Review status: criteria provided, single submitter. Criteria: Invitae Variant Classification Sherloc (09022015). Collection method: clinical testing. Allele origin: germline.
Comment: This sequence change replaces alanine, which is neutral and non-polar, with threonine, which is neutral and polar, at codon 998 of the REST protein (p.Ala998Thr). This variant is not present in population databases (gnomAD no frequency). This variant has not been reported in the literature in individuals affected with REST-related conditions. ClinVar contains an entry for this variant (Variation ID: 1000502). Algorithms developed to predict the effect of missense changes on protein structure and function output the following: SIFT: "Not Available"; PolyPhen-2: "Benign"; Align-GVGD: "Not Available". The threonine amino acid residue is found in multiple mammalian species, which suggests that this missense change does not adversely affect protein function. In summary, the available evidence is currently insufficient to determine the role of this variant in disease. Therefore, it has been classified as a Variant of Uncertain Significance.

Fulgent Genetics
Classification: Uncertain significance for Autosomal dominant nonsyndromic hearing loss 27; Wilms tumor 6; Fibromatosis, gingival, 5. Last evaluated: 2024-02-28. Review status: criteria provided, single submitter. Criteria: ACMG Guidelines, 2015. Collection method: clinical testing. Allele origin: germline.

NM_005612.5(REST):c.2992G>A (p.Ala998Thr)

Gene: REST (RE1 silencing transcription factor; plus strand). Cytogenetic location: 4q12.
Variant type: single nucleotide variant.
Coding change: c.2992G>A on transcript NM_005612.5 (MANE Select); coding-DNA position 2992, G replaced by A.
Protein change: p.Ala998Thr; replaces alanine 998 with threonine.
Molecular consequence: missense variant.
Genome position (GRCh38, 1-based): chr4:56,931,850, G>A. VCF-style: chr4-56931850-G-A. GRCh37 (hg19) VCF-style: chr4-57798016-G-A.
Other names: c.2992G>A, p.Ala998Thr (NM_001193508.2, NM_001363453.3); short protein forms A998T.
Identifiers: ClinVar variation 1000502 (VCV001000502.6), dbSNP rs1720989281, ClinGen allele CA357009961.
Genomic context (GRCh38, chr4:56,931,850, plus strand): 5'-GCAGTAGAAGAACGTGAAGCAGTGTCCAAAACTGCACTGGCATCACCTCCTGCTACAATG[G>A]CAGCAAATGAGTCTCAGGAAATTGATGAAGATGAAGGCATCCACAGCCATGAAGGAAGTG-3'
Protein context (NP_005603.3, residues 988-1008): TALASPPATM[Ala998Thr]ANESQEIDED